The following is an entry in ClinVar:

NM_001010874.5(TECRL):c.985A>T (p.Met329Leu)

Gene: TECRL (trans-2,3-enoyl-CoA reductase like; minus strand). Cytogenetic location: 4q13.1.
Variant type: single nucleotide variant.
Coding change: c.985A>T on transcript NM_001010874.5 (MANE Select); coding-DNA position 985, A replaced by T.
Protein change: p.Met329Leu; replaces methionine 329 with leucine.
Molecular consequence: missense variant. On other transcripts: intron variant (1).
Genome position (GRCh38, 1-based): chr4:64,280,179, T>A on the plus strand (A>T on the coding strand, the complement: TECRL is on the minus strand). VCF-style: chr4-64280179-T-A. GRCh37 (hg19) VCF-style: chr4-65145897-T-A.
Other names: c.964+862A>T (NM_001363796.1); short protein forms M329L.
Identifiers: ClinVar variation 1768414 (VCV001768414.3), dbSNP rs376732353, ClinGen allele CA98606290.

ClinVar aggregate classification (germline): Uncertain significance (1 of 4 stars; one submission).

Conditions:
Cardiovascular phenotype. Identifiers: MedGen CN230736.

Allele frequency attached by ClinVar (database versions not stated): gnomAD exomes below 0.00001; TOPMed 0.00002; ESP Exome Variant Server 0.00008; gnomAD 0.00001.
gnomAD v4.1: 2 of 1,539,946 alleles (0.00013%); highest among the groups gnomAD compares: Non-Finnish European, 0.00017%; no homozygotes.

Submission:

Ambry Genetics
Classification: Uncertain significance for Cardiovascular phenotype. Last evaluated: 2025-10-25. Review status: criteria provided, single submitter. Criteria: Ambry Variant Classification Scheme 2023. Collection method: clinical testing. Allele origin: germline.
Comment: The p.M329L variant (also known as c.985A>T), located in coding exon 12 of the TECRL gene, results from an A to T substitution at nucleotide position 985. The methionine at codon 329 is replaced by leucine, an amino acid with highly similar properties. This amino acid position is well conserved in available vertebrate species; however, leucine is the reference amino acid in other vertebrate species. In addition, this alteration is predicted to be tolerated by in silico analysis. Since supporting evidence is limited at this time, the clinical significance of this alteration remains unclear.